The following is an entry in ClinVar:

ClinVar aggregate classification (germline): Uncertain significance (1 of 4 stars; one submission).

Conditions:
Donnai-Barrow syndrome. Also called: DBS/FOAR SYNDROME; FACIOOCULOACOUSTICORENAL SYNDROME. Identifiers: Orphanet 2143, MedGen C1857277, MONDO:0009104, OMIM 222448.

Allele frequency attached by ClinVar (database versions not stated): gnomAD 0.00005.
gnomAD v4.1: 7 of 151,854 alleles (0.0046%); highest among the groups gnomAD compares: South Asian, 0.021%; no homozygotes.

Submission:

New York Genome Center
Classification: Uncertain significance for Donnai-Barrow syndrome. Last evaluated: 2022-02-03. Review status: criteria provided, single submitter. Criteria: NYGC Assertion Criteria 2020. Collection method: clinical testing. Allele origin: inherited. Observed: 1 compound heterozygote. Study: PrenatalSEQ.
Comment: The inherited c.5826+212A>G deep intronic variant identified in intron 35 (of 78) of the LRP2 gene has not been reported in affected individuals in the literature. The variant has 0.00004610 allele frequency in the gnomAD(v3) database (7 out of 151854 heterozygous alleles, no homozygotes) suggesting it is not a common benign variant in the populations represented in that database. The variant affects a weakly conserved nucleotide in intron 35 of the LRP2 gene. In silico tools provide conflicting predictions about potential splicing effects of this variant (Splice AI score =0.00; TRAP score = 0.232). Based on the available evidence, the inherited c.5826+212A>G deep intronic variant identified in the LRP2 gene is reported as a Variant of Uncertain significance.

NM_004525.3(LRP2):c.5826+212A>G

Gene: LRP2 (LDL receptor related protein 2; minus strand). Cytogenetic location: 2q31.1.
Variant type: single nucleotide variant.
Coding change: c.5826+212A>G on transcript NM_004525.3 (MANE Select); 212 bases into the intron after coding-DNA position 5826, A replaced by G.
Molecular consequence: intron variant.
Genome position (GRCh38, 1-based): chr2:169,216,041, T>C on the plus strand (A>G on the coding strand, the complement: LRP2 is on the minus strand). VCF-style: chr2-169216041-T-C. GRCh37 (hg19) VCF-style: chr2-170072551-T-C.
Identifiers: ClinVar variation 3235913 (VCV003235913.1), dbSNP rs890820382, ClinGen allele CA59902481.